The following is an entry in ClinVar:

ClinVar aggregate classification (germline): Uncertain significance (1 of 4 stars; one submission).

Conditions:
Zellweger spectrum disorders (ZS). Also called: Zellweger syndrome; Zellweger Spectrum Disorder; Zellweger Spectrum; Zellweger Spectrum Disorder (ZSD). Identifiers: Orphanet 912, MedGen C0043459, MONDO:0019609.

Allele frequency attached by ClinVar (database versions not stated): gnomAD exomes below 0.00001 and 0.00001; gnomAD 0.00001; TOPMed 0.00001; ExAC 0.00002.
gnomAD v4.1: 5 of 1,611,898 alleles (0.00031%); highest among the groups gnomAD compares: African/African-American, 0.0053%; no homozygotes.

Submission:

Labcorp Genetics (formerly Invitae), Labcorp
Classification: Uncertain significance for Zellweger spectrum disorders. Last evaluated: 2021-11-14. Review status: criteria provided, single submitter. Criteria: Invitae Variant Classification Sherloc (09022015). Collection method: clinical testing. Allele origin: germline.
Comment: This sequence change falls in intron 22 of the PEX1 gene. It does not directly change the encoded amino acid sequence of the PEX1 protein. It affects a nucleotide within the consensus splice site. This variant is present in population databases (rs764752742, gnomAD 0.02%). This variant has not been reported in the literature in individuals affected with PEX1-related conditions. Variants that disrupt the consensus splice site are a relatively common cause of aberrant splicing (PMID: 17576681, 9536098). Algorithms developed to predict the effect of sequence changes on RNA splicing suggest that this variant is not likely to affect RNA splicing. In summary, the available evidence is currently insufficient to determine the role of this variant in disease. Therefore, it has been classified as a Variant of Uncertain Significance.

Literature cited by the submitters: PubMed 17576681; PubMed 9536098.

NM_000466.3(PEX1):c.3636+4T>C

Genes: GATAD1 (GATA zinc finger domain containing 1; plus strand), PEX1 (peroxisomal biogenesis factor 1; minus strand). Cytogenetic location: 7q21.2.
Variant type: single nucleotide variant.
Coding change: c.3636+4T>C on transcript NM_000466.3 (MANE Select); 4 bases into the intron after coding-DNA position 3636, T replaced by C.
Molecular consequence: intron variant.
Genome position (GRCh38, 1-based): chr7:92,489,710, A>G on the plus strand (T>C on the coding strand, the complement: PEX1 is on the minus strand). VCF-style: chr7-92489710-A-G. GRCh37 (hg19) VCF-style: chr7-92119024-A-G.
Other names: c.3465+4T>C (NM_001282677.2); c.3012+4T>C (NM_001282678.2).
Identifiers: ClinVar variation 1380013 (VCV001380013.3), dbSNP rs764752742, ClinGen allele CA4340785.